The following is an entry in ClinVar:

Conditions:
Long QT syndrome 5 (LQT5). Identifiers: Orphanet 101016, Orphanet 768, MedGen C1867904, MONDO:0013372, OMIM 613695.

Submission:

Roden Lab, Vanderbilt University Medical Center
No classification provided (evidence only). Condition: Long QT syndrome 5. Review status: no classification provided. Collection method: in vitro. Allele origin: not applicable. Functional consequence: Effect on ion channel function.
ClinVar note: "not provided" was previously submitted as the classification for the variant. However, the classification appeared to be based only on an observation of functional data so it was converted to no classification on 2025-07-30.

NM_000219.6(KCNE1):c.277G>C (p.Ala93Pro)

Gene: KCNE1 (potassium voltage-gated channel subfamily E regulatory subunit 1; minus strand). Cytogenetic location: 21q22.12.
Variant type: single nucleotide variant.
Coding change: c.277G>C on transcript NM_000219.6 (MANE Select); coding-DNA position 277, G replaced by C.
Protein change: p.Ala93Pro; replaces alanine 93 with proline.
Molecular consequence: missense variant.
Genome position (GRCh38, 1-based): chr21:34,449,358, C>G on the plus strand (G>C on the coding strand, the complement: KCNE1 is on the minus strand). VCF-style: chr21-34449358-C-G. GRCh37 (hg19) VCF-style: chr21-35821656-C-G.
Other names: c.277G>C, p.Ala93Pro (NM_001270403.2, NM_001270404.3, NM_001127668.4 and 4 more transcripts); short protein forms A93P.
Identifiers: ClinVar variation 3374510 (VCV003374510.2).